The following is an entry in ClinVar:

NM_001009944.3(PKD1):c.8009A>G (p.Gln2670Arg)

Gene: PKD1 (polycystin 1, transient receptor potential channel interacting; minus strand). Cytogenetic location: 16p13.3.
Variant type: single nucleotide variant.
Coding change: c.8009A>G on transcript NM_001009944.3 (MANE Select); coding-DNA position 8009, A replaced by G.
Protein change: p.Gln2670Arg; replaces glutamine 2670 with arginine.
Molecular consequence: missense variant.
Genome position (GRCh38, 1-based): chr16:2,105,329, T>C on the plus strand (A>G on the coding strand, the complement: PKD1 is on the minus strand). VCF-style: chr16-2105329-T-C. GRCh37 (hg19) VCF-style: chr16-2155330-T-C.
Other names: c.8009A>G (NM_000296.3); c.8009A>G, p.Gln2670Arg (NM_000296.4); short protein forms Q2670R.
Identifiers: ClinVar variation 931576 (VCV000931576.9), dbSNP rs749291211, ClinGen allele CA7830780.

ClinVar aggregate classification (germline): Conflicting classifications of pathogenicity. Review status: criteria provided, conflicting classifications (1 of 4 stars). 6 submissions from 6 submitters: Uncertain significance (4); Likely benign (1). 1 of the submissions does not count toward it. Last evaluated 2025-10-03.

Conditions:
Polycystic kidney disease, adult type (PKD1). Also called: POLYCYSTIC KIDNEY DISEASE 1 WITH OR WITHOUT POLYCYSTIC LIVER DISEASE; Polycystic Kidney Disease 1, Autosomal Dominant; Polycystic kidney disease 1; Polycystic kidney disease 1, severe; POLYCYSTIC KIDNEY DISEASE, ADULT, TYPE I; Polycystic Kidney, Autosomal Dominant. Identifiers: MedGen C3149841, MONDO:0008263, OMIM 173900.
PKD1-related disorder. Also called: PKD1-related condition.
Bile duct cancer. Identifiers: MedGen CN296287, MONDO:0003059.
Inborn genetic diseases. Identifiers: MedGen C0950123, MeSH D030342.

Allele frequency attached by ClinVar (database versions not stated): ExAC 0.00011; TOPMed 0.00015; gnomAD 0.00016 and 0.00017; gnomAD exomes 0.00031.
gnomAD v4.1: 464 of 1,594,206 alleles (0.029%); highest among the groups gnomAD compares: Non-Finnish European, 0.038%; 1 homozygote.

Submissions (6):

Women's Health and Genetics/Laboratory Corporation of America, LabCorp
Classification: Uncertain significance. Last evaluated: 2025-10-03. Review status: criteria provided, single submitter. Criteria: LabCorp Variant Classification Summary - May 2015. Collection method: clinical testing. Allele origin: germline.
Comment: Variant summary: PKD1 c.8009A>G (p.Gln2670Arg) results in a conservative amino acid change in the encoded protein sequence. Algorithms developed to predict the effect of missense changes on protein structure and function are either unavailable or do not agree on the potential impact of this missense change. The frequency data for this variant in gnomAD is considered unreliable, as metrics indicate poor data quality at this position. c.8009A>G has been observed in an individual affected with Polycystic Kidney Disease 1 as a "rare, additional, potentially protein-altering variant" without further genotypic or cosegregation information (Elhassan_2025). This report does not provide unequivocal conclusions about association of the variant with Polycystic Kidney Disease 1. To our knowledge, no experimental evidence demonstrating an impact on protein function has been reported. The following publication has been ascertained in the context of this evaluation (PMID: 39883360). ClinVar contains an entry for this variant (Variation ID: 931576). Based on the evidence outlined above, the variant was classified as uncertain significance.

Blueprint Genetics
Classification: Likely benign. Last evaluated: 2024-11-21. Review status: criteria provided, single submitter. Criteria: ACMG Guidelines, 2015. Collection method: clinical testing. Allele origin: germline.

Ambry Genetics
Classification: Uncertain significance for Inborn genetic diseases. Last evaluated: 2024-06-30. Review status: criteria provided, single submitter. Criteria: Ambry Variant Classification Scheme 2023. Collection method: clinical testing. Allele origin: germline.

PreventionGenetics, part of Exact Sciences
Classification: Uncertain significance for PKD1-related condition. Last evaluated: 2022-12-21. Review status: criteria provided, single submitter. Criteria: ACMG Guidelines, 2015. Collection method: clinical testing. Allele origin: germline.
Comment: The PKD1 c.8009A>G variant is predicted to result in the amino acid substitution p.Gln2670Arg. To our knowledge, this variant has not been reported in the literature. This variant is reported in 0.017% of alleles in individuals of European (Non-Finnish) descent in gnomAD. At this time, the clinical significance of this variant is uncertain due to the absence of conclusive functional and genetic evidence.

Centre for Mendelian Genomics, University Medical Centre Ljubljana
Classification: Uncertain significance for Polycystic kidney disease, adult type. Last evaluated: 2019-05-31. Review status: criteria provided, single submitter. Criteria: ACMG Guidelines, 2015. Collection method: clinical testing. Allele origin: unknown. Affected: yes.
Comment: This variant was classified as: Uncertain significance. The available evidence on this variant's pathogenicity is insufficient or conflicting. The following ACMG criteria were applied in classifying this variant: PP3,BS1.

Department of Pathology and Laboratory Medicine, Sinai Health System
Classification: Uncertain significance for Bile duct cancer. Review status: no assertion criteria provided. Collection method: clinical testing. Allele origin: unknown. Affected: yes. Observed: 3 variant alleles. Study: The Canadian Open Genetics Repository (COGR). Not counted in ClinVar's aggregate classification.
Comment: The PKD1 p.Gln2670Arg variant was not identified in the literature, nor was it identified in the 1000 Genomes Project, the NHLBI Exome Sequencing Project, GeneInsight COGR, ClinVar, Clinvitae, the ADPKD Mutation Database, PKD1-LOVD, or PKD1-LOVD 3.0. The variant was identified in dbSNP (ID: rs749291211) as â€šÃ„ÃºN/Aâ€šÃ„Ã¹, in the genome Aggregation Database (beta, October 19th 2016) in 29 of 228990 chromosomes (freq. 0.0001), the Exome Aggregation Consortium database (August 8th 2016) in 11 of 101740 chromosomes (freq. 0.0001) in the following populations: European in 10 of 55444 chromosomes (freq. 0.0002), African in1 of 5780 chromosomes (freq. 0.0002), but was not seen in Asian, Finnish, Latino and Other populations, increasing the likelihood that this may be a low frequency benign variant in certain populations of origin. The p.Gln2670 residue is conserved in mammals and computational analyses (PolyPhen-2, SIFT, AlignGVGD, BLOSUM, MutationTaster) provide inconsistent predictions regarding the impact to the protein; this information is not very predictive of pathogenicity. The variant occurs outside of the splicing consensus sequence and 3 of 5 in silico or computational prediction software programs (SpliceSiteFinder, MaxEntScan, NNSPLICE, GeneSplicer, HumanSpliceFinder) predict a greater than 10% difference in splicing. However, this information is not predictive enough to assume pathogenicity. The variant is located within a function domain of the protein, the polycystin cation channel and REJ domains increasing the likelihood that the variant could affect the function of the protein. In summary, based on the above information, the clinical significance of this variant cannot be determined with certainty at this time. This variant is classified as a variant of uncertain significance.

Literature cited by the submitters: PubMed 39883360 (cited by Women's Health and Genetics/Laboratory Corporation of America, LabCorp).